The following is an entry in ClinVar:

NM_014974.3(DIP2C):c.2310C>A (p.Tyr770Ter)

Genes: DIP2C (disco interacting protein 2 homolog C; minus strand), LOC126860806 (MED14-independent group 3 enhancer GRCh37_chr10:409736-410935; plus strand). Cytogenetic location: 10p15.3.
Variant type: single nucleotide variant.
Coding change: c.2310C>A on transcript NM_014974.3 (MANE Select); coding-DNA position 2310, C replaced by A.
Protein change: p.Tyr770Ter; replaces tyrosine 770 with a stop codon.
Molecular consequence: nonsense.
Genome position (GRCh38, 1-based): chr10:364,541, G>T on the plus strand (C>A on the coding strand, the complement: DIP2C is on the minus strand). VCF-style: chr10-364541-G-T. GRCh37 (hg19) VCF-style: chr10-410481-G-T.
Other names: short protein forms Y770*.
Identifiers: ClinVar variation 4011774 (VCV004011774.1).

ClinVar aggregate classification (germline): Pathogenic (1 of 4 stars; one submission).

Conditions:
Inborn genetic diseases. Identifiers: MedGen C0950123, MeSH D030342.

Submission:

Ambry Genetics
Classification: Pathogenic for Inborn genetic diseases. Last evaluated: 2025-04-24. Review status: criteria provided, single submitter. Criteria: Ambry Variant Classification Scheme 2023. Collection method: clinical testing. Allele origin: germline.
Comment: The c.2310C>A (p.Y770*) alteration, located in exon 20 (coding exon 20) of the DIP2C gene, consists of a C to A substitution at nucleotide position 2310. This changes the amino acid from a tyrosine (Y) to a stop codon at amino acid position 770. This alteration is expected to result in loss of function by premature protein truncation or nonsense-mediated mRNA decay. This variant was not reported in population-based cohorts in the Genome Aggregation Database (gnomAD). Based on the available evidence, this alteration is classified as pathogenic.